The following is an entry in ClinVar:

ClinVar aggregate classification (germline): Conflicting classifications of pathogenicity. Review status: criteria provided, conflicting classifications (1 of 4 stars). 3 submissions from 3 submitters: Uncertain significance (2); Likely benign (1). Last evaluated 2026-01-19.

Conditions:
Hemolytic anemia due to glutathione reductase deficiency (CNSHA10). Also called: ANEMIA, CONGENITAL, NONSPHEROCYTIC HEMOLYTIC, 10. Identifiers: Orphanet 90030, MedGen C5231513, MONDO:0019531, OMIM 618660.

Allele frequency attached by ClinVar (database versions not stated): TOPMed 0.00148; gnomAD exomes 0.00072 and 0.00057; ExAC 0.00104; 1000 Genomes Project 0.00180; 1000 Genomes Project 30x 0.00219; gnomAD 0.00147 and 0.00150; ESP Exome Variant Server 0.00192.
gnomAD v4.1: 1,045 of 1,610,422 alleles (0.065%); highest among the groups gnomAD compares: African/African-American, 0.42%; 2 homozygotes.

Submissions (3):

Labcorp Genetics (formerly Invitae), Labcorp
Classification: Likely benign. Last evaluated: 2026-01-19. Review status: criteria provided, single submitter. Criteria: Invitae Variant Classification Sherloc (09022015). Collection method: clinical testing. Allele origin: germline.

Mayo Clinic Laboratories, Mayo Clinic
Classification: Uncertain significance. Last evaluated: 2025-08-12. Review status: criteria provided, single submitter. Criteria: ACMG Guidelines, 2015. Collection method: clinical testing. Allele origin: germline. Observed: 4 variant alleles.

ARUP Laboratories, Molecular Genetics and Genomics, ARUP Laboratories
Classification: Uncertain significance for Hemolytic anemia due to glutathione reductase deficiency. Last evaluated: 2025-05-07. Review status: criteria provided, single submitter. Criteria: ARUP Molecular Germline Variant Investigation Process 2024. Collection method: clinical testing. Allele origin: germline.
Comment: The GSR c.866T>C, p.Val289Ala variant (rs151187899), to our knowledge, is not reported in the medical literature but is reported in ClinVar (Variation ID: 618149). This variant is found in the general population with an overall allele frequency of 0.06% (1045/1610422 alleles, including two homozygotes) in the Genome Aggregation Database (v4.1.0). Computational analyses are uncertain whether this variant is neutral or deleterious (REVEL: 0.365). Due to limited information, the clinical significance of this variant is uncertain at this time.

NM_000637.5(GSR):c.866T>C (p.Val289Ala)

Gene: GSR (glutathione-disulfide reductase; minus strand). Cytogenetic location: 8p12.
Variant type: single nucleotide variant.
Coding change: c.866T>C on transcript NM_000637.5 (MANE Select); coding-DNA position 866, T replaced by C.
Protein change: p.Val289Ala; replaces valine 289 with alanine.
Molecular consequence: missense variant. On other transcripts: intron variant (2).
Genome position (GRCh38, 1-based): chr8:30,692,985, A>G on the plus strand (T>C on the coding strand, the complement: GSR is on the minus strand). VCF-style: chr8-30692985-A-G. GRCh37 (hg19) VCF-style: chr8-30550502-A-G.
Other names: c.866T>C, p.Val289Ala (NM_001195103.3); c.795+3395T>C (NM_001195104.3, NM_001195102.3); short protein forms V289A.
Identifiers: ClinVar variation 618149 (VCV000618149.19), dbSNP rs151187899, ClinGen allele CA4701362.